The following is an entry in ClinVar:

ClinVar aggregate classification (germline): Uncertain significance (1 of 4 stars; one submission).

Conditions:
Developmental and epileptic encephalopathy, 36 (DEE36). Also called: Epileptic encephalopathy, early infantile, 36; Congenital disorder of glycosylation, type Is; ALG13-CDG. Identifiers: Orphanet 324422, MedGen C4317295, MONDO:0010472, OMIM 300884.

Submission:

Labcorp Genetics (formerly Invitae), Labcorp
Classification: Uncertain significance for Developmental and epileptic encephalopathy, 36. Last evaluated: 2024-01-03. Review status: criteria provided, single submitter. Criteria: Invitae Variant Classification Sherloc (09022015). Collection method: clinical testing. Allele origin: germline.
Comment: This sequence change replaces leucine, which is neutral and non-polar, with phenylalanine, which is neutral and non-polar, at codon 104 of the ALG13 protein (p.Leu104Phe). This variant is not present in population databases (gnomAD no frequency). This variant has not been reported in the literature in individuals affected with ALG13-related conditions. An algorithm developed to predict the effect of missense changes on protein structure and function (PolyPhen-2) suggests that this variant is likely to be disruptive. In summary, the available evidence is currently insufficient to determine the role of this variant in disease. Therefore, it has been classified as a Variant of Uncertain Significance.

NM_001099922.3(ALG13):c.312G>C (p.Leu104Phe)

Gene: ALG13 (ALG13 UDP-N-acetylglucosaminyltransferase subunit; plus strand). Cytogenetic location: Xq23.
Variant type: single nucleotide variant.
Coding change: c.312G>C on transcript NM_001099922.3 (MANE Select); coding-DNA position 312, G replaced by C.
Protein change: p.Leu104Phe; replaces leucine 104 with phenylalanine.
Molecular consequence: missense variant. On other transcripts: 5 prime UTR variant (9), non-coding transcript variant (3).
Genome position (GRCh38, 1-based): chrX:111,685,032, G>C. VCF-style: chrX-111685032-G-C. GRCh37 (hg19) VCF-style: chrX-110928260-G-C.
Other names: c.253G>C, p.Asp85His (NM_001039210.5); c.312G>C, p.Leu104Phe (NM_001168385.3, NM_001324292.2, NM_018466.6); c.-1G>C (NM_001257230.2, NM_001257234.2, NM_001257235.3 and 6 more transcripts); c.78G>C, p.Leu26Phe (NM_001257231.2, NM_001257241.3); c.318G>C, p.Leu106Phe (NM_001324290.2); short protein forms L104F, D85H, L106F, L26F.
Identifiers: ClinVar variation 3009297 (VCV003009297.3), dbSNP rs2525131213, ClinGen allele CA414248675.
Genomic context (GRCh38, chrX:111,685,032, plus strand): 5'-AAGCTGTTTGGAGACTCTGGAAAAAGGAAAGCCACTCGTAGTGGTTATAAACGAAAAGTT[G>C]ATGAACAATCATCAGCTGGAACTGGCAAAGCAGCTACACAAAGAGGGTCATCTCTTCTAT-3'
Protein context (NP_001093392.1, residues 94-114): KPLVVVINEK[Leu104Phe]MNNHQLELAK